The following is an entry in ClinVar:

ClinVar aggregate classification (germline): Uncertain significance (1 of 4 stars; one submission).

gnomAD v4.1: 9 of 1,212,378 alleles (0.00074%); highest among the groups gnomAD compares: Admixed American, 0.02%; no homozygotes.

Submission:

GeneDx
Classification: Uncertain significance. Last evaluated: 2026-09-11. Review status: criteria provided, single submitter. Criteria: GeneDx Variant Classification Process June 2021. Collection method: clinical testing. Allele origin: germline.
Comment: In silico analysis supports that this missense variant has a deleterious effect on protein structure/function; Has not been previously published as pathogenic or benign to our knowledge

NM_003410.4(ZFX):c.2244G>T (p.Gln748His)

Gene: ZFX (zinc finger protein X-linked; plus strand). Cytogenetic location: Xp22.11.
Variant type: single nucleotide variant.
Coding change: c.2244G>T on transcript NM_003410.4 (MANE Select); coding-DNA position 2244, G replaced by T.
Protein change: p.Gln748His; replaces glutamine 748 with histidine.
Molecular consequence: missense variant. On other transcripts: 3 prime UTR variant (1).
Genome position (GRCh38, 1-based): chrX:24,211,202, G>T. VCF-style: chrX-24211202-G-T. GRCh37 (hg19) VCF-style: chrX-24229319-G-T.
Other names: c.2244G>T, p.Gln748His (NM_001178084.2, NM_001178085.1); c.1557G>T, p.Gln519His (NM_001178086.2); c.*1004G>T (NM_001178095.2); c.2361G>T, p.Gln787His (NM_001330327.2); short protein forms Q519H, Q748H, Q787H.
Identifiers: ClinVar variation 3342684 (VCV003342684.2).